The following is an entry in ClinVar:

ClinVar aggregate classification (germline): Pathogenic (1 of 4 stars; one submission).

Submission:

Labcorp Genetics (formerly Invitae), Labcorp
Classification: Pathogenic. Last evaluated: 2024-03-20. Review status: criteria provided, single submitter. Criteria: Invitae Variant Classification Sherloc (09022015). Collection method: clinical testing. Allele origin: germline.
Comment: This sequence change creates a premature translational stop signal (p.Ser707*) in the IMPG2 gene. It is expected to result in an absent or disrupted protein product. Loss-of-function variants in IMPG2 are known to be pathogenic (PMID: 20673862). This variant is not present in population databases (gnomAD no frequency). This variant has not been reported in the literature in individuals affected with IMPG2-related conditions. For these reasons, this variant has been classified as Pathogenic.

Literature cited by the submitters: PubMed 20673862.

NM_016247.4(IMPG2):c.2120C>A (p.Ser707Ter)

Gene: IMPG2 (interphotoreceptor matrix proteoglycan 2; minus strand). Cytogenetic location: 3q12.3.
Variant type: single nucleotide variant.
Coding change: c.2120C>A on transcript NM_016247.4 (MANE Select); coding-DNA position 2120, C replaced by A.
Protein change: p.Ser707Ter; replaces serine 707 with a stop codon.
Molecular consequence: nonsense.
Genome position (GRCh38, 1-based): chr3:101,244,211, G>T on the plus strand (C>A on the coding strand, the complement: IMPG2 is on the minus strand). VCF-style: chr3-101244211-G-T. GRCh37 (hg19) VCF-style: chr3-100963055-G-T.
Other names: short protein forms S707*.
Identifiers: ClinVar variation 2848714 (VCV002848714.3), dbSNP rs2508943991, ClinGen allele CA353858668.